The following is an entry in ClinVar:

NM_005422.4(TECTA):c.1327C>T (p.His443Tyr)

Genes: TBCEL-TECTA (TBCEL-TECTA readthrough; plus strand), TECTA (tectorin alpha; plus strand). Cytogenetic location: 11q23.3.
Variant type: single nucleotide variant.
Coding change: c.1327C>T on transcript NM_005422.4 (MANE Select); coding-DNA position 1327, C replaced by T.
Protein change: p.His443Tyr; replaces histidine 443 with tyrosine.
Molecular consequence: missense variant.
Genome position (GRCh38, 1-based): chr11:121,125,425, C>T. VCF-style: chr11-121125425-C-T. GRCh37 (hg19) VCF-style: chr11-120996134-C-T.
Other names: c.2284C>T, p.His762Tyr (NM_001378761.1); short protein forms H443Y, H762Y.
Identifiers: ClinVar variation 229290 (VCV000229290.5), dbSNP rs745831106, ClinGen allele CA6326726.

ClinVar aggregate classification (germline): Uncertain significance (1 of 4 stars; one submission).

Allele frequency attached by ClinVar (database versions not stated): gnomAD exomes 0.00002 and 0.00004; ExAC 0.00005.
gnomAD v4.1: 23 of 1,614,210 alleles (0.0014%); highest among the groups gnomAD compares: South Asian, 0.023%; no homozygotes.

Submission:

Laboratory for Molecular Medicine, Mass General Brigham Personalized Medicine
Classification: Uncertain significance. Last evaluated: 2015-11-23. Review status: criteria provided, single submitter. Criteria: LMM Criteria. Collection method: clinical testing. Allele origin: germline. Observed: 1 variant allele.
Comment: The p.His443Tyr variant in TECTA has not been previously reported in individuals with hearing loss, but has been identified in 6/16510 South Asian chromosomes b y the Exome Aggregation Consortium (ExAC; dbSNP rs745831106). Computational prediction tools and conservation analysis suggest t hat the p.His443Tyr variant may impact the protein, though this information is n ot predictive enough to determine pathogenicity. In summary, the clinical signif icance of the p.His443Tyr variant is uncertain.